The following is an entry in ClinVar:

NM_001658.4(ARF1):c.278A>G (p.Asp93Gly)

Genes: ARF1 (ARF GTPase 1; plus strand), LOC126806039 (CDK7 strongly-dependent group 2 enhancer GRCh37_chr1:228284937-228286136; plus strand). Cytogenetic location: 1q42.13.
Variant type: single nucleotide variant.
Coding change: c.278A>G on transcript NM_001658.4 (MANE Select); coding-DNA position 278, A replaced by G.
Protein change: p.Asp93Gly; replaces aspartic acid 93 with glycine.
Molecular consequence: missense variant.
Genome position (GRCh38, 1-based): chr1:228,097,609, A>G. VCF-style: chr1-228097609-A-G. GRCh37 (hg19) VCF-style: chr1-228285310-A-G.
Other names: c.278A>G, p.Asp93Gly (NM_001024228.2, NM_001024226.2, NM_001024227.1); c.278A>G (NM_001024226.1); short protein forms D93G.
Identifiers: ClinVar variation 1343804 (VCV001343804.2), dbSNP rs2124857932, ClinGen allele CA345078852.

ClinVar aggregate classification (germline): Conflicting classifications of pathogenicity. Review status: criteria provided, conflicting classifications (1 of 4 stars). 2 submissions from 2 submitters: Likely pathogenic (1); Uncertain significance (1). Last evaluated 2022-03-12.

Conditions:
Periventricular nodular heterotopia 8. Identifiers: MedGen C4748602, MONDO:0032588, OMIM 618185.

Submissions (2):

Groupe Hospitalier Pitie Salpetriere, Uf Genomique Du Developpement, Assistance Publique Hopitaux de Paris Sorbonne Université
Classification: Likely pathogenic for Periventricular nodular heterotopia 8. Last evaluated: 2022-03-12. Review status: criteria provided, single submitter. Criteria: ACMG Guidelines, 2015. Collection method: clinical testing. Allele origin: de novo. Affected: yes.
Comment: PS2, PM2, PP2, PP3

Baylor Genetics
Classification: Uncertain significance for Periventricular nodular heterotopia 8. Last evaluated: 2021-06-13. Review status: criteria provided, single submitter. Criteria: ACMG Guidelines, 2015. Collection method: clinical testing. Allele origin: unknown.